The following is an entry in ClinVar:

ClinVar aggregate classification (germline): Uncertain significance. Review status: criteria provided, single submitter (1 of 4 stars). 2 submissions from 1 submitter: Uncertain significance (1). 1 of the submissions does not count toward it. Last evaluated 2022-10-18.

Conditions:
Epilepsy, childhood absence, susceptibility to, 5. Identifiers: Orphanet 64280, MedGen C2677087, MONDO:0012843, OMIM 612269.
Epilepsy, childhood absence, susceptibility to, 1. Also called: Epilepsy, childhood absence 1. Identifiers: Orphanet 64280, MedGen C1838604, MONDO:0020759, OMIM 600131.

Submissions (2):

Labcorp Genetics (formerly Invitae), Labcorp
Classification: Uncertain significance for Epilepsy, childhood absence, susceptibility to, 5; Epilepsy, childhood absence, susceptibility to, 1. Last evaluated: 2022-10-18. Review status: criteria provided, single submitter. Criteria: Invitae Variant Classification Sherloc (09022015). Collection method: clinical testing. Allele origin: germline.
Comment: A copy number gain of the genomic region encompassing the full coding sequence of the GABRB3 gene has been identified. The boundaries of this event are unknown as they extend beyond the assayed region for this gene and therefore may encompass additional genes. As the precise location of this event is unknown, it may be in tandem or it may be located elsewhere in the genome. Isolated whole-gene copy number gains of GABRB3 have not been reported in the literature. However, larger copy number events that include this gene have been reported (PMID: 26068938). In summary, the available evidence is currently insufficient to determine the role of this variant in disease. Therefore, it has been classified as a Variant of Uncertain Significance.

Labcorp Genetics (formerly Invitae), Labcorp
Classification: Uncertain significance. Last evaluated: 2022-07-01. Review status: flagged submission. Criteria: Invitae Variant Classification Sherloc (09022015). Collection method: clinical testing. Allele origin: germline. Not counted in ClinVar's aggregate classification.
Comment: A copy number gain of the genomic region encompassing the full coding sequence of the OCA2 gene has been identified. The boundaries of this event are unknown as they extend beyond the assayed region for this gene and therefore may encompass additional genes. As the precise location of this event is unknown, it may be in tandem or it may be located elsewhere in the genome. This variant has not been reported in the literature in individuals affected with OCA2-related conditions. In summary, the available evidence is currently insufficient to determine the role of this variant in disease. Therefore, it has been classified as a Variant of Uncertain Significance.
ClinVar note: Reason: This record appears to be redundant with a more recent record from the same submitter.
ClinVar note: Notes: SCV002138625 appears to be redundant with SCV003794370.

Literature cited by the submitters: PubMed 26068938.

NC_000015.9:g.(?_26792940)_(28544682_?)dup

Genes: GABRA5 (gamma-aminobutyric acid type A receptor subunit alpha5; plus strand), GABRB3 (gamma-aminobutyric acid type A receptor subunit beta3; minus strand), GABRG3 (gamma-aminobutyric acid type A receptor subunit gamma3; plus strand), HERC2 (HECT and RLD domain containing E3 ubiquitin protein ligase 2; minus strand), OCA2 (OCA2 melanosomal transmembrane protein; minus strand). Cytogenetic location: 15q12-13.1.
Variant type: Duplication.
Identifiers: ClinVar variation 1372667 (VCV001372667.4).